The following is an entry in ClinVar:

NM_172107.4(KCNQ2):c.2179G>A (p.Gly727Ser)

Gene: KCNQ2 (potassium voltage-gated channel subfamily Q member 2; minus strand). Cytogenetic location: 20q13.33.
Variant type: single nucleotide variant.
Coding change: c.2179G>A on transcript NM_172107.4 (MANE Select); coding-DNA position 2179, G replaced by A.
Protein change: p.Gly727Ser; replaces glycine 727 with serine.
Molecular consequence: missense variant.
Genome position (GRCh38, 1-based): chr20:63,407,084, C>T on the plus strand (G>A on the coding strand, the complement: KCNQ2 is on the minus strand). VCF-style: chr20-63407084-C-T. GRCh37 (hg19) VCF-style: chr20-62038437-C-T.
Other names: c.2095G>A, p.Gly699Ser (NM_004518.6); c.2125G>A, p.Gly709Ser (NM_172106.3); c.2086G>A, p.Gly696Ser (NM_172108.5); short protein forms G696S, G709S, G699S, G727S.
Identifiers: ClinVar variation 840292 (VCV000840292.8), dbSNP rs368549458, ClinGen allele CA9958133.

ClinVar aggregate classification (germline): Uncertain significance (1 of 4 stars; one submission).

Conditions:
Early-infantile DEE. Also called: Ohtahara syndrome; Early infantile epileptic encephalopathy with suppression bursts; Early infantile epileptic encephalopathy. Identifiers: Orphanet 1934, MedGen C0393706, MONDO:0800491.

Allele frequency attached by ClinVar (database versions not stated): gnomAD 0.00001; gnomAD exomes 0.00001 and 0.00002; TOPMed 0.00001; ExAC 0.00010.
gnomAD v4.1: 24 of 1,531,660 alleles (0.0016%); highest among the groups gnomAD compares: South Asian, 0.0024%; no homozygotes.

Submission:

Labcorp Genetics (formerly Invitae), Labcorp
Classification: Uncertain significance for Early-infantile DEE. Last evaluated: 2024-10-12. Review status: criteria provided, single submitter. Criteria: Invitae Variant Classification Sherloc (09022015). Collection method: clinical testing. Allele origin: germline.
Comment: This sequence change replaces glycine, which is neutral and non-polar, with serine, which is neutral and polar, at codon 727 of the KCNQ2 protein (p.Gly727Ser). The frequency data for this variant in the population databases is considered unreliable, as metrics indicate poor data quality at this position in the gnomAD database. This variant has not been reported in the literature in individuals affected with KCNQ2-related conditions. ClinVar contains an entry for this variant (Variation ID: 840292). An algorithm developed to predict the effect of missense changes on protein structure and function outputs the following: PolyPhen-2: "Benign". The serine amino acid residue is found in multiple mammalian species, which suggests that this missense change does not adversely affect protein function. In summary, the available evidence is currently insufficient to determine the role of this variant in disease. Therefore, it has been classified as a Variant of Uncertain Significance.